The following is an entry in ClinVar:

ClinVar aggregate classification (germline): Pathogenic (1 of 4 stars; one submission).

Conditions:
Neurofibromatosis, type 1 (NF1). Also called: Peripheral type neurofibromatosis; VON RECKLINGHAUSEN DISEASE; NEUROFIBROMATOSIS, TYPE I, SOMATIC; Neurofibromatosis, type I. Identifiers: Orphanet 636, MedGen C0027831, MONDO:0018975, OMIM 162200. Disease mechanism: loss of function.

Submission:

Labcorp Genetics (formerly Invitae), Labcorp
Classification: Pathogenic for Neurofibromatosis, type 1. Last evaluated: 2018-02-12. Review status: criteria provided, single submitter. Criteria: Invitae Variant Classification Sherloc (09022015). Collection method: clinical testing. Allele origin: germline.
Comment: For these reasons, this variant has been classified as Pathogenic. Loss-of-function variants in NF1 are known to be pathogenic (PMID: 10712197, 23913538). This variant has not been reported in the literature in individuals with NF1-related disease. This variant is not present in population databases (ExAC no frequency). This sequence change creates a premature translational stop signal (p.Glu775Glyfs*18) in the NF1 gene. It is expected to result in an absent or disrupted protein product.

Literature cited by the submitters: PubMed 10712197; PubMed 23913538.

NM_001042492.3(NF1):c.2322_2323del (p.Glu775fs)

Gene: NF1 (neurofibromin 1; plus strand). Cytogenetic location: 17q11.2.
Variant type: Deletion.
Coding change: c.2322_2323del on transcript NM_001042492.3 (MANE Select); coding-DNA positions 2322 to 2323, 2 bases deleted (TG; older notation c.2322_2323delTG).
Protein change: p.Glu775fs; shifts the reading frame from glutamic acid 775.
Molecular consequence: frameshift variant.
Genome position (GRCh38, 1-based): chr17:31,227,288-31,227,289, TG deleted. VCF-style (leftmost placement, unchanged base first): chr17-31227287-CTG-C. GRCh37 (hg19) VCF-style: chr17-29554305-CTG-C.
Other names: c.2322_2323delTG (NM_000267.3); c.2322_2323delTG, p.Glu775Glyfs (NM_000267.4); short protein forms E775fs.
Identifiers: ClinVar variation 582698 (VCV000582698.5), dbSNP rs1567847962, ClinGen allele CA891844365.